The following is an entry in ClinVar:

NM_000051.4(ATM):c.8000T>C (p.Met2667Thr)

Genes: ATM (ATM serine/threonine kinase; plus strand), C11orf65 (chromosome 11 open reading frame 65; minus strand). Cytogenetic location: 11q22.3.
Variant type: single nucleotide variant.
Coding change: c.8000T>C on transcript NM_000051.4 (MANE Select); coding-DNA position 8000, T replaced by C.
Protein change: p.Met2667Thr; replaces methionine 2667 with threonine.
Molecular consequence: missense variant. On other transcripts: intron variant (2).
Genome position (GRCh38, 1-based): chr11:108,333,958, T>C. VCF-style: chr11-108333958-T-C. GRCh37 (hg19) VCF-style: chr11-108204685-T-C.
Other names: c.8000T>C, p.Met2667Thr (NM_001351834.2); c.641-24887A>G (NM_001330368.2); c.*38+1262A>G (NM_001351110.2); short protein forms M2667T.
Identifiers: ClinVar variation 407502 (VCV000407502.74), dbSNP rs1060501566, ClinGen allele CA16613151.

ClinVar aggregate classification (germline): Uncertain significance. Review status: criteria provided, multiple submitters, no conflicts (2 of 4 stars). 10 submissions from 10 submitters: Uncertain significance (8). 2 of the submissions do not count toward it. Last evaluated 2026-09-01.

Conditions:
Hereditary cancer-predisposing syndrome. Also called: Neoplastic Syndromes, Hereditary; Hereditary Cancer Syndrome; Tumor predisposition; Hereditary neoplastic syndrome. Identifiers: Orphanet 140162, MedGen C0027672, MeSH D009386, MONDO:0015356.
Malignant tumor of breast. Also called: Malignant breast neoplasm; Cancer breast. Identifiers: MedGen C0006142, MONDO:0007254. Disease mechanism: loss of function.
Familial cancer of breast. Also called: Hereditary breast cancer; BREAST CANCER, FAMILIAL; hereditary breast carcinoma. Identifiers: Orphanet 227535, MedGen C0346153, MONDO:0016419, OMIM 114480. Disease mechanism: loss of function.
Ataxia-telangiectasia syndrome (AT). Also called: LOUIS-BAR SYNDROME; Cerebello-oculocutaneous telangiectasia; Immunodeficiency with ataxia telangiectasia; Ataxia-telangiectasia, complementation group D; AT, COMPLEMENTATION GROUP C; Ataxia-telangiectasia, complementation group E. Identifiers: Orphanet 100, MedGen C0004135, MONDO:0008840, OMIM 208900.

Allele frequency attached by ClinVar (database versions not stated): gnomAD exomes below 0.00001; TOPMed below 0.00001; gnomAD 0.00001.
gnomAD v4.1: 6 of 1,608,210 alleles (0.00037%); highest among the groups gnomAD compares: East Asian, 0.0022%; no homozygotes.

Submissions (10):

CeGaT Center for Human Genetics Tuebingen
Classification: Uncertain significance. Last evaluated: 2026-09-01. Review status: criteria provided, single submitter. Criteria: CeGaT Center For Human Genetics Tuebingen Variant Classification Criteria Version 2. Collection method: clinical testing. Allele origin: germline. Affected: yes. Observed: 1 variant allele.
Comment: ATM: PM2

Ambry Genetics
Classification: Uncertain significance for Hereditary cancer-predisposing syndrome. Last evaluated: 2026-05-28. Review status: criteria provided, single submitter. Criteria: Ambry Variant Classification Scheme 2023. Collection method: clinical testing. Allele origin: germline.
Comment: The p.M2667T variant (also known as c.8000T>C), located in coding exon 53 of the ATM gene, results from a T to C substitution at nucleotide position 8000. The methionine at codon 2667 is replaced by threonine, an amino acid with similar properties. In an assay testing ATM function, this variant showed a functionally normal result (Lee KS et al. Cell, 2025 Sep;188:5081-5099.e27). This amino acid position is well conserved in available vertebrate species. In addition, this alteration is predicted to be deleterious by in silico analysis. Based on the available evidence, the clinical significance of this variant remains unclear.

Labcorp Genetics (formerly Invitae), Labcorp
Classification: Uncertain significance for Ataxia-telangiectasia syndrome. Last evaluated: 2026-01-12. Review status: criteria provided, single submitter. Criteria: Invitae Variant Classification Sherloc (09022015). Collection method: clinical testing. Allele origin: germline.
Comment: This sequence change replaces methionine, which is neutral and non-polar, with threonine, which is neutral and polar, at codon 2667 of the ATM protein (p.Met2667Thr). This variant is present in population databases (no rsID available, gnomAD 0.0009%). This missense change has been observed in individual(s) with breast cancer (PMID: 11505391, 19781682). ClinVar contains an entry for this variant (Variation ID: 407502). Invitae Evidence Modeling of protein sequence and biophysical properties (such as structural, functional, and spatial information, amino acid conservation, physicochemical variation, residue mobility, and thermodynamic stability) has been performed for this missense variant. However, the output from this modeling did not meet the statistical confidence thresholds required to predict the impact of this variant on ATM protein function. In summary, the available evidence is currently insufficient to determine the role of this variant in disease. Therefore, it has been classified as a Variant of Uncertain Significance.

Women's Health and Genetics/Laboratory Corporation of America, LabCorp
Classification: Uncertain significance. Last evaluated: 2025-12-16. Review status: criteria provided, single submitter. Criteria: LabCorp Variant Classification Summary - May 2015. Collection method: clinical testing. Allele origin: germline.
Comment: Variant summary: ATM c.8000T>C (p.Met2667Thr) results in a non-conservative amino acid change in the encoded protein sequence. Algorithms developed to predict the effect of missense changes on protein structure and function all suggest that this variant is likely to be disruptive. The variant allele was found at a frequency of 3.9e-06 in 255852 control chromosomes (gnomAD). The available data on variant occurrences in the general population are insufficient to allow any conclusion about variant significance. c.8000T>C has been observed in individuals affected with Breast Cancer (Teraoka_2001, Tavtigian_2009, Rezoug_2024). These reports do not provide unequivocal conclusions about association of the variant with Breast Cancer. To our knowledge, no experimental evidence demonstrating an impact on protein function has been reported. The following publications have been ascertained in the context of this evaluation (PMID: 40105422, 39226054, 19781682, 11505391). ClinVar contains an entry for this variant (Variation ID: 407502). Based on the evidence outlined above, the variant was classified as uncertain significance.

Blueprint Genetics
Classification: Uncertain significance. Last evaluated: 2023-12-19. Review status: criteria provided, single submitter. Criteria: ACMG Guidelines, 2015. Collection method: clinical testing. Allele origin: germline.

Baylor Genetics
Classification: Uncertain significance for Familial cancer of breast. Last evaluated: 2023-11-04. Review status: criteria provided, single submitter. Criteria: ACMG Guidelines, 2015. Collection method: clinical testing. Allele origin: unknown.

Color Diagnostics, LLC DBA Color Health
Classification: Uncertain significance for Hereditary cancer-predisposing syndrome. Last evaluated: 2023-03-20. Review status: criteria provided, single submitter. Criteria: ACMG Guidelines, 2015. Collection method: clinical testing. Allele origin: germline.
Comment: This missense variant replaces methionine with threonine at codon 2667 of the ATM protein. Computational prediction suggests that this variant may have deleterious impact on protein structure and function (internally defined REVEL score threshold >= 0.7, PMID: 27666373). To our knowledge, functional studies have not been reported for this variant. This variant has been reported in individuals affected with breast cancer (PMID: 11505391, 19781682, 33471991) or kidney cancer (PMID: 29684080). This variant has been identified in 1/251054 chromosomes in the general population by the Genome Aggregation Database (gnomAD). The available evidence is insufficient to determine the role of this variant in disease conclusively. Therefore, this variant is classified as a Variant of Uncertain Significance.

GeneDx
Classification: Uncertain significance. Last evaluated: 2021-04-21. Review status: criteria provided, single submitter. Criteria: GeneDx Variant Classification Process June 2021. Collection method: clinical testing. Allele origin: germline. Affected: yes.
Comment: Not observed at a significant frequency in large population cohorts (Lek 2016); In silico analysis supports that this missense variant has a deleterious effect on protein structure/function; Observed in individuals with breast or renal cancer but also in unaffected controls (Teraoka 2001, Decker 2017, Yehia 2018); This variant is associated with the following publications: (PMID: 30197789, 30401751, 29684080, 11505391, 19781682, 28779002)

Natera, Inc.
Classification: Uncertain significance for Ataxia-telangiectasia. Last evaluated: 2020-11-06. Review status: no assertion criteria provided. Collection method: clinical testing. Allele origin: germline. Not counted in ClinVar's aggregate classification.

Department of Pathology and Laboratory Medicine, Sinai Health System
Classification: Uncertain significance for Malignant tumor of breast. Review status: no assertion criteria provided. Collection method: clinical testing. Allele origin: unknown. Affected: yes. Study: The Canadian Open Genetics Repository (COGR). Not counted in ClinVar's aggregate classification.
Comment: The ATM p.Met2667Thr variant was identified in 2 of 3372 proband chromosomes (frequency: 0.0006) from individuals or families with breast cancer and was not identified in 2448 control chromosomes from healthy individuals (Tavtigian 2009, Teraoka 2001). The variant was also identified in ClinVar database(classified as uncertain significance by Invitae, Ambry Genetics and Integrated Genetics/Laboratory Corporation of America). The variant was not identified in dbSNP, GeneInsight-COGR, Cosmic, MutDB, or LOVD 3.0, databases. The variant was identified in control databases in 1 of 245902 chromosomes at a frequency of 0.000004 (Genome Aggregation Database Feb 27, 2017). The variant was observed in the European population in 1 of 111424 chromosomes (freq: 0.000009), while the variant was not observed in the African, Other, Latino, Ashkenazi Jewish, East Asian, European Finnish, and South Asian populations. The p.Met2667 residue is conserved in mammals but not in more distantly related organisms, and computational analyses (PolyPhen-2, SIFT, AlignGVGD, BLOSUM, MutationTaster) suggest that the variant may impact the protein; however, this information is not predictive enough to assume pathogenicity. The variant occurs outside of the splicing consensus sequence and in silico or computational prediction software programs (SpliceSiteFinder, MaxEntScan, NNSPLICE, GeneSplicer) do not predict a difference in splicing. In summary, based on the above information the clinical significance of this variant cannot be determined with certainty at this time. This variant is classified as a variant of uncertain significance.

Literature cited by the submitters: PubMed 11505391 (cited by 4 submitters); PubMed 19781682 (cited by 4 submitters); PubMed 28779002 (cited by Ambry Genetics); PubMed 29684080 (cited by Ambry Genetics and Color Diagnostics, LLC DBA Color Health); PubMed 40580951 (cited by Ambry Genetics); PubMed 39226054 (cited by Women's Health and Genetics/Laboratory Corporation of America, LabCorp); PubMed 40105422 (cited by Women's Health and Genetics/Laboratory Corporation of America, LabCorp); PubMed 33471991 (cited by Color Diagnostics, LLC DBA Color Health).